The following is an entry in ClinVar:

NM_182746.3(MCM4):c.68C>T (p.Thr23Met)

Genes: MCM4 (minichromosome maintenance complex component 4; plus strand), LOC130000338 (ATAC-STARR-seq lymphoblastoid silent region 19178; plus strand). Cytogenetic location: 8q11.21.
Variant type: single nucleotide variant.
Coding change: c.68C>T on transcript NM_182746.3 (MANE Select); coding-DNA position 68, C replaced by T.
Protein change: p.Thr23Met; replaces threonine 23 with methionine.
Molecular consequence: missense variant.
Genome position (GRCh38, 1-based): chr8:47,961,212, C>T. VCF-style: chr8-47961212-C-T. GRCh37 (hg19) VCF-style: chr8-48873772-C-T.
Other names: c.68C>T, p.Thr23Met (NM_005914.4); short protein forms T23M.
Identifiers: ClinVar variation 2133352 (VCV002133352.4), dbSNP rs1281405597, ClinGen allele CA371143526.

ClinVar aggregate classification (germline): Uncertain significance (1 of 4 stars; one submission).

Allele frequency attached by ClinVar (database versions not stated): TOPMed below 0.00001.
gnomAD v4.1: 9 of 1,513,234 alleles (0.00059%); highest among the groups gnomAD compares: Middle Eastern, 0.036%; no homozygotes.

Submission:

Labcorp Genetics (formerly Invitae), Labcorp
Classification: Uncertain significance. Last evaluated: 2022-05-04. Review status: criteria provided, single submitter. Criteria: Invitae Variant Classification Sherloc (09022015). Collection method: clinical testing. Allele origin: germline.
Comment: In summary, the available evidence is currently insufficient to determine the role of this variant in disease. Therefore, it has been classified as a Variant of Uncertain Significance. Algorithms developed to predict the effect of missense changes on protein structure and function output the following: SIFT: "Tolerated"; PolyPhen-2: "Possibly Damaging"; Align-GVGD: "Class C0". The methionine amino acid residue is found in multiple mammalian species, which suggests that this missense change does not adversely affect protein function. This variant has not been reported in the literature in individuals affected with MCM4-related conditions. This variant is not present in population databases (gnomAD no frequency). This sequence change replaces threonine, which is neutral and polar, with methionine, which is neutral and non-polar, at codon 23 of the MCM4 protein (p.Thr23Met).